The following is an entry in ClinVar:

ClinVar aggregate classification (germline): Uncertain significance (1 of 4 stars; one submission).

Conditions:
Inborn genetic diseases. Identifiers: MedGen C0950123, MeSH D030342.

Allele frequency attached by ClinVar (database versions not stated): gnomAD 0.00003; TOPMed 0.00004; ExAC 0.00007.
gnomAD v4.1: 101 of 1,610,690 alleles (0.0063%); highest among the groups gnomAD compares: Non-Finnish European, 0.0082%; no homozygotes.

Submission:

Ambry Genetics
Classification: Uncertain significance for Inborn genetic diseases. Last evaluated: 2021-01-07. Review status: criteria provided, single submitter. Criteria: Ambry Variant Classification Scheme 2023. Collection method: clinical testing. Allele origin: germline.
Comment: The p.R267C variant (also known as c.799C>T), located in coding exon 7 of the DST gene, results from a C to T substitution at nucleotide position 799. The arginine at codon 267 is replaced by cysteine, an amino acid with highly dissimilar properties. This amino acid position is highly conserved in available vertebrate species. In addition, this alteration is predicted to be deleterious by in silico analysis. Since supporting evidence is limited at this time, the clinical significance of this alteration remains unclear.

NM_001374736.1(DST):c.898C>T (p.Arg300Cys)

Gene: DST (dystonin; minus strand). Cytogenetic location: 6p12.1.
Variant type: single nucleotide variant.
Coding change: c.898C>T on transcript NM_001374736.1 (MANE Select); coding-DNA position 898, C replaced by T.
Protein change: p.Arg300Cys; replaces arginine 300 with cysteine.
Molecular consequence: missense variant.
Genome position (GRCh38, 1-based): chr6:56,701,944, G>A on the plus strand (C>T on the coding strand, the complement: DST is on the minus strand). VCF-style: chr6-56701944-G-A. GRCh37 (hg19) VCF-style: chr6-56566742-G-A.
Other names: c.799C>T, p.Arg267Cys (NM_001144769.5); c.385C>T, p.Arg129Cys (NM_001144770.2); c.898C>T, p.Arg300Cys (NM_001374722.1); c.265C>T, p.Arg89Cys (NM_001374729.1, NM_001374730.1, NM_001386100.1 and 1 more transcripts); c.925C>T, p.Arg309Cys (NM_001374734.1); short protein forms R129C, R300C, R309C, R89C, R267C.
Identifiers: ClinVar variation 1761546 (VCV001761546.2), dbSNP rs756030058, ClinGen allele CA3871832.